The following is an entry in ClinVar:

NM_002465.4(MYBPC1):c.476A>G (p.Asp159Gly)

Gene: MYBPC1 (myosin binding protein C1; plus strand). Cytogenetic location: 12q23.2.
Variant type: single nucleotide variant.
Coding change: c.476A>G on transcript NM_002465.4 (MANE Select); coding-DNA position 476, A replaced by G.
Protein change: p.Asp159Gly; replaces aspartic acid 159 with glycine.
Molecular consequence: missense variant.
Genome position (GRCh38, 1-based): chr12:101,632,058, A>G. VCF-style: chr12-101632058-A-G. GRCh37 (hg19) VCF-style: chr12-102025836-A-G.
Other names: c.401A>G, p.Asp134Gly (NM_001254718.3, NM_001254719.3, NM_001254721.3 and 4 more transcripts); c.365A>G, p.Asp122Gly (NM_001254720.3); c.323A>G, p.Asp108Gly (NM_001254722.3, NM_001404677.1, NM_001404679.1 and 2 more transcripts); c.362A>G, p.Asp121Gly (NM_001254723.3); c.476A>G, p.Asp159Gly (NM_001404675.1, NM_206819.4); short protein forms D108G, D121G, D122G, D134G, D159G.
Identifiers: ClinVar variation 1310720 (VCV001310720.4), dbSNP rs1890013215, ClinGen allele CA386277925.

ClinVar aggregate classification (germline): Uncertain significance (1 of 4 stars; one submission).

gnomAD v4.1: 1 of 1,614,036 alleles (0.000062%); no homozygotes.

Submission:

GeneDx
Classification: Uncertain significance. Last evaluated: 2020-01-03. Review status: criteria provided, single submitter. Criteria: GeneDx Variant Classification Process June 2021. Collection method: clinical testing. Allele origin: germline. Affected: yes.
Comment: Not observed in large population cohorts (Lek et al., 2016); In silico analysis, which includes protein predictors and evolutionary conservation, supports that this variant does not alter protein structure/function; In addition, in silico splice predictors, suggests this variant may impact gene splicing. In the absence of RNA/functional studies, the actual effect of this sequence change is unknown.; Has not been previously published as pathogenic or benign to our knowledge